The following is an entry in ClinVar:

ClinVar aggregate classification (germline): Uncertain significance (1 of 4 stars; one submission).

gnomAD v4.1: 2 of 1,540,328 alleles (0.00013%); highest among the groups gnomAD compares: Non-Finnish European, 0.00017%; no homozygotes.

Submission:

Labcorp Genetics (formerly Invitae), Labcorp
Classification: Uncertain significance. Last evaluated: 2022-03-24. Review status: criteria provided, single submitter. Criteria: Invitae Variant Classification Sherloc (09022015). Collection method: clinical testing. Allele origin: germline.
Comment: This variant has not been reported in the literature in individuals affected with RNF31-related conditions. This variant is not present in population databases (gnomAD no frequency). This sequence change replaces arginine, which is basic and polar, with proline, which is neutral and non-polar, at codon 8 of the RNF31 protein (p.Arg8Pro). In summary, the available evidence is currently insufficient to determine the role of this variant in disease. Therefore, it has been classified as a Variant of Uncertain Significance. Algorithms developed to predict the effect of missense changes on protein structure and function (SIFT, PolyPhen-2, Align-GVGD) all suggest that this variant is likely to be tolerated.

NM_017999.5(RNF31):c.23G>C (p.Arg8Pro)

Genes: RNF31 (ring finger protein 31; plus strand), LOC121468009 (Sharpr-MPRA regulatory region 11827; plus strand). Cytogenetic location: 14q12.
Variant type: single nucleotide variant.
Coding change: c.23G>C on transcript NM_017999.5 (MANE Select); coding-DNA position 23, G replaced by C.
Protein change: p.Arg8Pro; replaces arginine 8 with proline.
Molecular consequence: missense variant. On other transcripts: intron variant (1).
Genome position (GRCh38, 1-based): chr14:24,147,721, G>C. VCF-style: chr14-24147721-G-C. GRCh37 (hg19) VCF-style: chr14-24616930-G-C.
Other names: c.-325-255G>C (NM_001310332.2); short protein forms R8P.
Identifiers: ClinVar variation 1926168 (VCV001926168.5), dbSNP rs2038190492, ClinGen allele CA389283443.